The following continues an entry in ClinVar:

NM_000492.4(CFTR):c.2421A>G (p.Ile807Met)

Gene: CFTR. ClinVar aggregate classification (germline): Conflicting classifications of pathogenicity. Pathogenic (1); Uncertain significance (9); Benign (2); Likely benign (8).

Submissions 6 to 21 of 21:

Ambry Genetics
Classification: Uncertain significance for Cystic fibrosis. Last evaluated: 2025-05-14. Review status: criteria provided, single submitter. Criteria: Ambry Variant Classification Scheme 2023. Collection method: clinical testing. Allele origin: germline.
Comment: The p.I807M variant (also known as c.2421A>G), located in coding exon 14 of the CFTR gene, results from an A to G substitution at nucleotide position 2421. The isoleucine at codon 807 is replaced by methionine, an amino acid with highly similar properties. This variant was found to co-occur with a pathogenic mutation in CFTR and SPINK1 in an individual presenting with chronic pancreatitis (Schneider A et al. Gastroenterology, 2011 Jan;140:162-71). In a cohort of 253 French individuals with idiopathic chronic pancreatitis, two were identified as heterozygous for p.I807M; one was also heterozygous for p.R117H, phase uncertain (Masson E et al. PLoS ONE, 2013 Aug;8:e73522). Another study observed this variant in individuals with pancreatitis and healthy controls at the same frequency (LaRusch J et al. PLoS Genet., 2014 Jul;10:e1004376). Functional data demonstrated this variant displayed both maturation of the protein and chloride channel activity similar to that of wild-type protein (Vankeerberghen A et al. Hum. Mol. Genet., 1998 Oct;7:1761-9; Raraigh KS et al. Am. J. Hum. Genet., 2018 Jun;102:1062-1077), although bicarbonate permeability and conductance, which are more relevant in the development of pancreatitis, were not assessed. This amino acid position is highly conserved in available vertebrate species. In addition, this alteration is predicted to be deleterious by in silico analysis. Based on available evidence to date, the clinical significance of this alteration remains unclear.

Mendelics
Classification: Likely benign for Cystic fibrosis. Last evaluated: 2025-03-20. Review status: criteria provided, single submitter. Criteria: ACMG Guidelines, 2015. Collection method: clinical testing. Allele origin: unknown.
Comment: Variant NM_000492.4(CFTR):c.2421A>G (p.Ile807Met) is found frequent in Mendelics internal database. GnomAD 4.1 frequency of 0.0009045 with 7 homozygotes. In Silico Predictors: benign

Mayo Clinic Laboratories, Mayo Clinic
Classification: Likely benign. Last evaluated: 2024-12-04. Review status: criteria provided, single submitter. Criteria: ACMG Guidelines, 2015. Collection method: clinical testing. Allele origin: germline. Observed: 10 variant alleles.
Comment: BS3

Blueprint Genetics
Classification: Uncertain significance. Last evaluated: 2024-10-10. Review status: criteria provided, single submitter. Criteria: ACMG Guidelines, 2015. Collection method: clinical testing. Allele origin: germline.

Revvity Omics, Revvity
Classification: Uncertain significance. Last evaluated: 2024-05-03. Review status: criteria provided, single submitter. Criteria: ACMG Guidelines, 2015. Collection method: clinical testing. Allele origin: germline.

CFTR-France
Classification: Pathogenic for CFTR-related disorders. Last evaluated: 2024-01-24. Review status: criteria provided, single submitter. Criteria: Claustres M et al. (Hum Mutat 2017). Collection method: curation. Allele origin: germline. Affected: yes and no. Observed: 9 variant alleles.

Quest Diagnostics Nichols Institute San Juan Capistrano
Classification: Likely benign. Last evaluated: 2022-11-10. Review status: criteria provided, single submitter. Criteria: Quest Diagnostics criteria. Collection method: clinical testing. Allele origin: unknown.

Genome-Nilou Lab
Classification: Uncertain significance for Cystic fibrosis. Last evaluated: 2021-07-22. Review status: criteria provided, single submitter. Criteria: ACMG Guidelines, 2015. Collection method: clinical testing. Allele origin: germline. Affected: no.

Pars Genome Lab
Classification: Uncertain significance for Cystic fibrosis. Last evaluated: 2021-05-18. Review status: criteria provided, single submitter. Criteria: ACMG Guidelines, 2015. Collection method: clinical testing. Allele origin: germline. Affected: no.

Sema4
Classification: Likely benign for Hereditary pancreatitis. Last evaluated: 2021-05-17. Review status: criteria provided, single submitter. Criteria: Sema4 Curation Guidelines. Collection method: curation. Allele origin: germline.

Johns Hopkins Genomics, Johns Hopkins University
Classification: Benign for Cystic fibrosis. Last evaluated: 2019-09-24. Review status: criteria provided, single submitter. Criteria: ACMG Guidelines, 2015. Collection method: clinical testing. Allele origin: germline.

GeneDx
Classification: Likely benign. Last evaluated: 2018-06-27. Review status: criteria provided, single submitter. Criteria: GeneDx Variant Classification Process June 2021. Collection method: clinical testing. Allele origin: germline. Affected: yes.
Comment: This variant is associated with the following publications: (PMID: 29805046, 9736778, 24631642, 28194692, 20460946, 26708955, 17489851, 14998948, 17003641, 20977904, 19202204, 19812525, 25033378, 20722470, 23951356)

Eurofins Ntd Llc (ga)
Classification: Uncertain significance. Last evaluated: 2017-11-08. Review status: criteria provided, single submitter. Criteria: EGL Classification Definitions 2015. Collection method: clinical testing. Allele origin: germline. Observed: 7 variant alleles, 7 heterozygotes.

Fulgent Genetics
Classification: Uncertain significance for Hereditary pancreatitis; Bronchiectasis with or without elevated sweat chloride 1; Cystic fibrosis; Congenital bilateral aplasia of vas deferens from CFTR mutation. Last evaluated: 2017-05-23. Review status: criteria provided, single submitter. Criteria: ACMG Guidelines, 2015. Collection method: clinical testing. Allele origin: unknown.

Illumina Laboratory Services, Illumina
Classification: Likely benign for CFTR-Related Disorders. Last evaluated: 2017-04-27. Review status: criteria provided, single submitter. Criteria: ICSL Variant Classification Criteria 13 December 2019. Collection method: clinical testing. Allele origin: germline.
Comment: This variant was observed as part of a predisposition screen in an ostensibly healthy population. A literature search was performed for the gene, cDNA change, and amino acid change (where applicable). No publications were found based on this search. Allele frequency data from public databases allowed determination this variant is unlikely to cause disease. Therefore, this variant is classified as likely benign.

Natera, Inc.
Classification: Likely benign for Cystic Fibrosis. Last evaluated: 2019-08-05. Review status: no assertion criteria provided. Collection method: clinical testing. Allele origin: germline. Not counted in ClinVar's aggregate classification.

Literature cited by the submitters: PubMed 18716917 (cited by Women's Health and Genetics/Laboratory Corporation of America, LabCorp and Quest Diagnostics Nichols Institute San Juan Capistrano); PubMed 19812525 (cited by 3 submitters); PubMed 17003641 (cited by 4 submitters); PubMed 17489851 (cited by 3 submitters); PubMed 9736778 (cited by 5 submitters); PubMed 14998948 (cited by 5 submitters); PubMed 19202204 (cited by Women's Health and Genetics/Laboratory Corporation of America, LabCorp and Quest Diagnostics Nichols Institute San Juan Capistrano); PubMed 20722470 (cited by 3 submitters); PubMed 20460946 (cited by 3 submitters); PubMed 20977904 (cited by 4 submitters); PubMed 23951356 (cited by 5 submitters); PubMed 24631642 (cited by Women's Health and Genetics/Laboratory Corporation of America, LabCorp and Quest Diagnostics Nichols Institute San Juan Capistrano); PubMed 25651269 (cited by Women's Health and Genetics/Laboratory Corporation of America, LabCorp and Quest Diagnostics Nichols Institute San Juan Capistrano); PubMed 26708955 (cited by Women's Health and Genetics/Laboratory Corporation of America, LabCorp and Quest Diagnostics Nichols Institute San Juan Capistrano); PubMed 28603918 (cited by Women's Health and Genetics/Laboratory Corporation of America, LabCorp and Quest Diagnostics Nichols Institute San Juan Capistrano); PubMed 29805046 (cited by 5 submitters); PubMed 25033378 (cited by 3 submitters); PubMed 26277102 (cited by Women's Health and Genetics/Laboratory Corporation of America, LabCorp and Quest Diagnostics Nichols Institute San Juan Capistrano); PubMed 38388235 (cited by Women's Health and Genetics/Laboratory Corporation of America, LabCorp and Mayo Clinic Laboratories, Mayo Clinic); PubMed 28546993 (cited by Ambry Genetics and Quest Diagnostics Nichols Institute San Juan Capistrano); PubMed 33374015 (cited by Mayo Clinic Laboratories, Mayo Clinic); PubMed 35527187 (cited by Mayo Clinic Laboratories, Mayo Clinic); PubMed 35573065 (cited by Mayo Clinic Laboratories, Mayo Clinic); PubMed 36249513 (cited by Mayo Clinic Laboratories, Mayo Clinic); PubMed 36409994 (cited by Mayo Clinic Laboratories, Mayo Clinic); PubMed 37628659 (cited by Mayo Clinic Laboratories, Mayo Clinic); PubMed 37895316 (cited by Mayo Clinic Laboratories, Mayo Clinic); PubMed 38590877 (cited by Mayo Clinic Laboratories, Mayo Clinic); PubMed 38695616 (cited by Mayo Clinic Laboratories, Mayo Clinic); PubMed 20849526 (cited by Quest Diagnostics Nichols Institute San Juan Capistrano); PubMed 18456578 (cited by Quest Diagnostics Nichols Institute San Juan Capistrano); PubMed 28194692 (cited by Quest Diagnostics Nichols Institute San Juan Capistrano); PubMed 28502372 (cited by Quest Diagnostics Nichols Institute San Juan Capistrano); PubMed 34996830 (cited by Quest Diagnostics Nichols Institute San Juan Capistrano); PubMed 32906206 (cited by Quest Diagnostics Nichols Institute San Juan Capistrano).